The following is an entry in ClinVar:

ClinVar aggregate classification (germline): Pathogenic/Likely pathogenic. Review status: criteria provided, multiple submitters, no conflicts (2 of 4 stars). 2 submissions from 2 submitters: Pathogenic (1); Likely pathogenic (1). Last evaluated 2024-01-31.

Conditions:
Hereditary cancer-predisposing syndrome. Also called: Neoplastic Syndromes, Hereditary; Tumor predisposition; Hereditary Cancer Syndrome; Hereditary neoplastic syndrome. Identifiers: Orphanet 140162, MedGen C0027672, MeSH D009386, MONDO:0015356.

Submissions (2):

Ambry Genetics
Classification: Likely pathogenic for Hereditary cancer-predisposing syndrome. Last evaluated: 2024-01-31. Review status: criteria provided, single submitter. Criteria: Ambry Variant Classification Scheme 2023. Collection method: clinical testing. Allele origin: germline.
Comment: The c.96_99dupCCAG variant, located in coding exon 2 of the MUTYH gene, results from a duplication of CCAG at nucleotide position 96, causing a translational frameshift with a predicted alternate stop codon (p.E34Pfs*9). The predicted stop codon occurs in the 5&rsquo; end of theMUTYH gene. Premature termination codons in the 5&rsquo; end of a gene have been reported to escape nonsense-mediated mRNAdecay and/or lead to re-initiation (Rivas et al. Science. 2015 May 8;348(6235):666-9; Lindeboom et al. Nat Genet. 2016 Oct;48(10):1112-8; Rhee et al. Sci Rep. 2017 May 10;7(1):1653). Direct evidence for this alteration is unavailable, however premature termination codons are typically deleterious in nature. This variant is considered to be rare based on population cohorts in the Genome Aggregation Database (gnomAD). Based on the majority of available evidence to date, this variant is likely to be pathogenic.

Color Diagnostics, LLC DBA Color Health
Classification: Pathogenic for Hereditary cancer-predisposing syndrome. Last evaluated: 2021-01-27. Review status: criteria provided, single submitter. Criteria: ACMG Guidelines, 2015. Collection method: clinical testing. Allele origin: germline.
Comment: This variant inserts 4 nucleotides in exon 2 of the MUTYH gene, creating a frameshift and premature translation stop signal. This variant is expected to result in an absent or non-functional protein product. To our knowledge, this variant has not been reported in individuals affected with hereditary cancer in the literature. This variant has not been identified in the general population by the Genome Aggregation Database (gnomAD). Loss of MUTYH function is a known mechanism of disease. Based on the available evidence, this variant is classified as Pathogenic.

NM_001048174.2(MUTYH):c.54_57dup (p.Glu20fs)

Gene: MUTYH (mutY DNA glycosylase; minus strand). Cytogenetic location: 1p34.1.
Variant type: Microsatellite.
Coding change: c.54_57dup on transcript NM_001048174.2 (MANE Select); coding-DNA positions 54 to 57, 4 bases duplicated (CCAG; older notation c.54_57dupCCAG).
Protein change: p.Glu20fs; shifts the reading frame from glutamic acid 20.
Molecular consequence: frameshift variant. On other transcripts: 5 prime UTR variant (4), non-coding transcript variant (2).
Genome position (GRCh38, 1-based): chr1:45,334,449-45,334,452, CTGG duplicated on the plus strand (CCAG on the coding strand, the reverse complement: MUTYH is on the minus strand); duplicating any 4 consecutive bases within chr1:45,334,449-45,334,459 gives the same sequence; the c. name uses the placement nearest the transcript's 3' end. VCF-style (leftmost placement, unchanged base first): chr1-45334448-C-CCTGG. GRCh37 (hg19) VCF-style: chr1-45800120-C-CCTGG.
Other names: c.54_57dup, p.Glu20fs (NM_001048171.2, NM_001048172.2, NM_001048173.2 and 2 more transcripts); c.96_99dup, p.Glu34fs (NM_001128425.2, NM_001293190.2, NM_012222.3); c.-163CCAG[3] (NM_001293192.2, NM_001293196.2); c.-222CCAG[3] (NM_001350650.2); c.-158CCAG[3] (NM_001350651.2); c.96_99dupCCAG (NM_001128425.1); short protein forms E20fs, E34fs.
Identifiers: ClinVar variation 919169 (VCV000919169.4), dbSNP rs1645571595, ClinGen allele CA913187569.